The following is an entry in ClinVar:

NC_000023.10:g.(?_22244540)_(22245748_?)del

Gene: PHEX (phosphate regulating endopeptidase X-linked; plus strand). Cytogenetic location: Xp22.11.
Variant type: Deletion.
Identifiers: ClinVar variation 1459957 (VCV001459957.7).

ClinVar aggregate classification (germline): Pathogenic (1 of 4 stars; one submission).

Submission:

Labcorp Genetics (formerly Invitae), Labcorp
Classification: Pathogenic. Last evaluated: 2022-10-09. Review status: criteria provided, single submitter. Criteria: Invitae Variant Classification Sherloc (09022015). Collection method: clinical testing. Allele origin: germline.
Comment: For these reasons, this variant has been classified as Pathogenic. This variant is a gross deletion of the genomic region encompassing exon(s) 19-20 of the PHEX gene. This variant would be expected to be in-frame, preserving the integrity of the reading frame. A similar copy number variant has been observed in individual(s) with X-linked hypophosphatemia (PMID: 34141703). This variant disrupts a region of the PHEX protein in which other variant(s) (p.Leu640Pro) have been determined to be pathogenic (PMID: 19219621, 33666701; Invitae). This suggests that this is a clinically significant region of the protein, and that variants that disrupt it are likely to be disease-causing.

Literature cited by the submitters: PubMed 34141703; PubMed 19219621; PubMed 33666701.